The following is an entry in ClinVar:

ClinVar aggregate classification (germline): Benign. Review status: criteria provided, multiple submitters, no conflicts (2 of 4 stars). 2 submissions from 2 submitters: Benign (2). Last evaluated 2018-01-12.

Conditions:
Alport syndrome. Also called: Hemorrhagic familial nephritis; Hemorrhagic hereditary nephritis; Congenital hereditary hematuria. Identifiers: Orphanet 63, MedGen C1567741, MONDO:0018965.

Allele frequency attached by ClinVar (database versions not stated): 1000 Genomes Project 0.84764; 1000 Genomes Project 30x 0.85009; TOPMed 0.86102; gnomAD 0.86904 and 0.86957; gnomAD exomes 0.92558.
gnomAD v4.1: 132,798 of 152,638 alleles (87%); highest among the groups gnomAD compares: Non-Finnish European, 91%; 57,979 homozygotes.

Submissions (2):

Illumina Laboratory Services, Illumina
Classification: Benign for Alport syndrome. Last evaluated: 2018-01-12. Review status: criteria provided, single submitter. Criteria: ICSL Variant Classification Criteria 13 December 2019. Collection method: clinical testing. Allele origin: germline.
Comment: This variant was observed in the ICSL laboratory as part of a predisposition screen in an ostensibly healthy population. It had not been previously curated by ICSL or reported in the Human Gene Mutation Database (HGMD: prior to June 1st, 2018), and was therefore a candidate for classification through an automated scoring system. Utilizing variant allele frequency, disease prevalence and penetrance estimates, and inheritance mode, an automated score was calculated to assess if this variant is too frequent to cause the disease. Based on the score and internal cut-off values, a variant classified as benign is not then subjected to further curation. The score for this variant resulted in a classification of benign for this disease.

Breakthrough Genomics
Classification: Benign. Review status: criteria provided, single submitter. Criteria: ACMG Guidelines, 2015. Collection method: not provided. Allele origin: germline. Inheritance: Autosomal recessive inheritance. Affected: yes.

NM_000091.5(COL4A3):c.*893C>T

Genes: COL4A3 (collagen type IV alpha 3 chain; plus strand), MFF-DT (MFF divergent transcript; minus strand). Cytogenetic location: 2q36.3.
Variant type: single nucleotide variant.
Coding change: c.*893C>T on transcript NM_000091.5 (MANE Select); 893 bases downstream of the stop codon, C replaced by T.
Molecular consequence: 3 prime UTR variant.
Genome position (GRCh38, 1-based): chr2:227,312,763, C>T. VCF-style: chr2-227312763-C-T. GRCh37 (hg19) VCF-style: chr2-228177479-C-T.
Identifiers: ClinVar variation 334799 (VCV000334799.6), dbSNP rs7587228, ClinGen allele CA10614696.